The following is an entry in ClinVar:

NM_003504.5(CDC45):c.1666A>C (p.Lys556Gln)

Gene: CDC45 (cell division cycle 45; plus strand). Cytogenetic location: 22q11.21.
Variant type: single nucleotide variant.
Coding change: c.1666A>C on transcript NM_003504.5 (MANE Select); coding-DNA position 1666, A replaced by C.
Protein change: p.Lys556Gln; replaces lysine 556 with glutamine.
Molecular consequence: missense variant. On other transcripts: non-coding transcript variant (1).
Genome position (GRCh38, 1-based): chr22:19,518,873, A>C. VCF-style: chr22-19518873-A-C. GRCh37 (hg19) VCF-style: chr22-19506396-A-C.
Other names: c.1762A>C, p.Lys588Gln (NM_001178010.2); c.1528A>C, p.Lys510Gln (NM_001178011.2); c.1630A>C, p.Lys544Gln (NM_001369291.1); short protein forms K588Q, K544Q, K510Q, K556Q.
Identifiers: ClinVar variation 3663425 (VCV003663425.2).

ClinVar aggregate classification (germline): Uncertain significance (1 of 4 stars; one submission).

Submission:

Labcorp Genetics (formerly Invitae), Labcorp
Classification: Uncertain significance. Last evaluated: 2024-10-10. Review status: criteria provided, single submitter. Criteria: Invitae Variant Classification Sherloc (09022015). Collection method: clinical testing. Allele origin: germline.
Comment: This sequence change replaces lysine, which is basic and polar, with glutamine, which is neutral and polar, at codon 588 of the CDC45 protein (p.Lys588Gln). This variant is not present in population databases (gnomAD no frequency). This variant has not been reported in the literature in individuals affected with CDC45-related conditions. An algorithm developed to predict the effect of missense changes on protein structure and function (PolyPhen-2) suggests that this variant is likely to be disruptive. In summary, the available evidence is currently insufficient to determine the role of this variant in disease. Therefore, it has been classified as a Variant of Uncertain Significance.